The following is an entry in ClinVar:

ClinVar aggregate classification (germline): Benign. Review status: criteria provided, multiple submitters, no conflicts (2 of 4 stars). 3 submissions from 3 submitters: Benign (3). Last evaluated 2026-08-01.

Allele frequency attached by ClinVar (database versions not stated): gnomAD 0.00001 and 0.00046; TOPMed 0.00011; gnomAD exomes 0.00122; ExAC 0.00124; 1000 Genomes Project 30x 0.00219; 1000 Genomes Project 0.00260.
gnomAD v4.1: 945 of 1,485,572 alleles (0.064%); highest among the groups gnomAD compares: South Asian, 1.3%; 18 homozygotes.

Submissions (3):

CeGaT Center for Human Genetics Tuebingen
Classification: Benign. Last evaluated: 2026-08-01. Review status: criteria provided, single submitter. Criteria: CeGaT Center For Human Genetics Tuebingen Variant Classification Criteria Version 2. Collection method: clinical testing. Allele origin: germline. Affected: yes. Observed: 3 variant alleles.
Comment: CTCF: BP4, BP7, BS1, BS2

GeneDx
Classification: Benign. Last evaluated: 2021-06-18. Review status: criteria provided, single submitter. Criteria: GeneDx Variant Classification Process June 2021. Collection method: clinical testing. Allele origin: germline. Affected: yes.

Labcorp Genetics (formerly Invitae), Labcorp
Classification: Benign. Last evaluated: 2019-12-31. Review status: criteria provided, single submitter. Criteria: Invitae Variant Classification Sherloc (09022015). Collection method: clinical testing. Allele origin: germline.

NM_006565.4(CTCF):c.18C>T (p.Val6=)

Gene: CTCF (CCCTC-binding factor; plus strand). Cytogenetic location: 16q22.1.
Variant type: single nucleotide variant.
Coding change: c.18C>T on transcript NM_006565.4 (MANE Select); coding-DNA position 18, C replaced by T.
Protein change: p.Val6=; no amino-acid change (valine 6 retained).
Molecular consequence: synonymous variant. On other transcripts: intron variant (1).
Genome position (GRCh38, 1-based): chr16:67,610,850, C>T. VCF-style: chr16-67610850-C-T. GRCh37 (hg19) VCF-style: chr16-67644753-C-T.
Other names: c.18C>T, p.Val6= (NM_001363916.2); c.-32-5895C>T (NM_001191022.2).
Identifiers: ClinVar variation 745878 (VCV000745878.16), dbSNP rs549711902, ClinGen allele CA8112451.